The following is an entry in ClinVar:

NM_001127898.4(CLCN5):c.1789G>T (p.Glu597Ter)

Genes: CLCN5 (Cl-/H+ antiporter 5; plus strand), LOC126863258 (BRD4-independent group 4 enhancer GRCh37_chrX:49854497-49855696; plus strand). Cytogenetic location: Xp11.23.
Variant type: single nucleotide variant.
Coding change: c.1789G>T on transcript NM_001127898.4 (MANE Select); coding-DNA position 1789, G replaced by T.
Protein change: p.Glu597Ter; replaces glutamic acid 597 with a stop codon.
Molecular consequence: nonsense.
Genome position (GRCh38, 1-based): chrX:50,090,160, G>T. VCF-style: chrX-50090160-G-T. GRCh37 (hg19) VCF-style: chrX-49854817-G-T.
Other names: c.1579G>T, p.Glu527Ter (NM_000084.5); c.1789G>T, p.Glu597Ter (NM_001127899.4); c.1639G>T, p.Glu547Ter (NM_001282163.2); short protein forms E527*, E547*, E597*.
Identifiers: ClinVar variation 3256634 (VCV003256634.1).

ClinVar aggregate classification (germline): Likely pathogenic (1 of 4 stars; one submission).

Conditions:
Dent disease type 1 (DENT1). Also called: NEPHROLITHIASIS 2; NEPHROLITHIASIS, HYPERCALCIURIC, X-LINKED. Identifiers: Orphanet 1652, Orphanet 93622, MedGen C1848336, MONDO:0010225, OMIM 300009.

Submission:

MVZ Medizinische Genetik Mainz
Classification: Likely pathogenic for Dent disease type 1. Last evaluated: 2024-05-29. Review status: criteria provided, single submitter. Criteria: UK Practice Guidelines For Variant Classification V4 01 2020. Collection method: clinical testing. Allele origin: germline. Inheritance: X-linked dominant inheritance. Affected: yes. Observed: 1 variant allele.
Comment: ACMG Criteria: PVS1,PM2_SUP